The following is an entry in ClinVar:

ClinVar aggregate classification (germline): Conflicting classifications of pathogenicity. Review status: criteria provided, conflicting classifications (1 of 4 stars). 5 submissions from 5 submitters: Uncertain significance (2); Likely benign (2). 1 of the submissions does not count toward it. Last evaluated 2024-11-06.

Conditions:
Inborn genetic diseases. Identifiers: MedGen C0950123, MeSH D030342.
Rheumatoid arthritis (RA). Also called: RHEUMATOID ARTHRITIS, SUSCEPTIBILITY TO. Identifiers: MedGen C0003873, MONDO:0008383, OMIM 180300, HP:0001370.
MHC class II deficiency. Also called: BLS, TYPE II; Bare lymphocyte syndrome 2. Identifiers: Orphanet 572, MedGen C5447452, MONDO:0008855.

Allele frequency attached by ClinVar (database versions not stated): ExAC 0.00006; gnomAD 0.00006; gnomAD exomes 0.00007 and 0.00013; TOPMed 0.00007; ESP Exome Variant Server 0.00015.
gnomAD v4.1: 196 of 1,614,130 alleles (0.012%); highest among the groups gnomAD compares: Non-Finnish European, 0.016%; no homozygotes.

Submissions (5):

Blueprint Genetics
Classification: Likely benign. Last evaluated: 2024-11-06. Review status: criteria provided, single submitter. Criteria: ACMG Guidelines, 2015. Collection method: clinical testing. Allele origin: germline.

Labcorp Genetics (formerly Invitae), Labcorp
Classification: Uncertain significance for MHC class II deficiency. Last evaluated: 2022-08-15. Review status: criteria provided, single submitter. Criteria: Invitae Variant Classification Sherloc (09022015). Collection method: clinical testing. Allele origin: germline.
Comment: This sequence change replaces arginine, which is basic and polar, with histidine, which is basic and polar, at codon 1066 of the CIITA protein (p.Arg1066His). This variant is present in population databases (rs142072017, gnomAD 0.01%). This variant has not been reported in the literature in individuals affected with CIITA-related conditions. ClinVar contains an entry for this variant (Variation ID: 971840). Algorithms developed to predict the effect of missense changes on protein structure and function output the following: SIFT: "Tolerated"; PolyPhen-2: "Benign"; Align-GVGD: "Class C0". The histidine amino acid residue is found in multiple mammalian species, which suggests that this missense change does not adversely affect protein function. In summary, the available evidence is currently insufficient to determine the role of this variant in disease. Therefore, it has been classified as a Variant of Uncertain Significance.

Ambry Genetics
Classification: Likely benign for Inborn genetic diseases. Last evaluated: 2022-04-22. Review status: criteria provided, single submitter. Criteria: Ambry Variant Classification Scheme 2023. Collection method: clinical testing. Allele origin: germline.

Fulgent Genetics
Classification: Uncertain significance for Rheumatoid arthritis; MHC class II deficiency 1. Last evaluated: 2021-07-28. Review status: criteria provided, single submitter. Criteria: ACMG Guidelines, 2015. Collection method: clinical testing. Allele origin: unknown.

Natera, Inc.
Classification: Uncertain significance for Bare lymphocyte syndrome type II. Last evaluated: 2020-01-24. Review status: no assertion criteria provided. Collection method: clinical testing. Allele origin: germline. Not counted in ClinVar's aggregate classification.

NM_000246.4(CIITA):c.3197G>A (p.Arg1066His)

Gene: CIITA (class II major histocompatibility complex transactivator; plus strand). Cytogenetic location: 16p13.13.
Variant type: single nucleotide variant.
Coding change: c.3197G>A on transcript NM_000246.4 (MANE Select); coding-DNA position 3197, G replaced by A.
Protein change: p.Arg1066His; replaces arginine 1066 with histidine.
Molecular consequence: missense variant. On other transcripts: non-coding transcript variant (1).
Genome position (GRCh38, 1-based): chr16:10,922,214, G>A. VCF-style: chr16-10922214-G-A. GRCh37 (hg19) VCF-style: chr16-11016071-G-A.
Other names: c.3200G>A, p.Arg1067His (NM_001286402.1, NM_001379332.1); c.1445G>A, p.Arg482His (NM_001286403.2); c.3053G>A, p.Arg1018His (NM_001379330.1); c.3050G>A, p.Arg1017His (NM_001379331.1); c.3197G>A, p.Arg1066His (NM_001379333.1); c.3128G>A, p.Arg1043His (NM_001379334.1); short protein forms R1017H, R1018H, R1043H, R1066H, R1067H, R482H.
Identifiers: ClinVar variation 971840 (VCV000971840.11), dbSNP rs142072017, ClinGen allele CA7900722.